The following is an entry in ClinVar:

NM_000465.4(BARD1):c.513A>G (p.Lys171=)

Gene: BARD1 (BRCA1 associated RING domain 1; minus strand). Cytogenetic location: 2q35.
Variant type: single nucleotide variant.
Coding change: c.513A>G on transcript NM_000465.4 (MANE Select); coding-DNA position 513, A replaced by G.
Protein change: p.Lys171=; no amino-acid change (lysine 171 retained).
Molecular consequence: synonymous variant. On other transcripts: non-coding transcript variant (2), intron variant (3).
Genome position (GRCh38, 1-based): chr2:214,781,361, T>C on the plus strand (A>G on the coding strand, the complement: BARD1 is on the minus strand). VCF-style: chr2-214781361-T-C. GRCh37 (hg19) VCF-style: chr2-215646085-T-C.
Other names: c.456A>G, p.Lys152= (NM_001282543.2); c.158+28051A>G (NM_001282548.2); c.215+15700A>G (NM_001282545.2); c.364+10936A>G (NM_001282549.2).
Identifiers: ClinVar variation 3379035 (VCV003379035.2).

ClinVar aggregate classification (germline): Benign/Likely benign. Review status: criteria provided, multiple submitters, no conflicts (2 of 4 stars). 2 submissions from 2 submitters: Benign (1); Likely benign (1). Last evaluated 2025-09-15.

Conditions:
Familial cancer of breast. Also called: hereditary breast carcinoma; Hereditary breast cancer; BREAST CANCER, FAMILIAL. Identifiers: Orphanet 227535, MedGen C0346153, MONDO:0016419, OMIM 114480. Disease mechanism: loss of function.

Submissions (2):

Labcorp Genetics (formerly Invitae), Labcorp
Classification: Likely benign for Familial cancer of breast. Last evaluated: 2025-09-15. Review status: criteria provided, single submitter. Criteria: Invitae Variant Classification Sherloc (09022015). Collection method: clinical testing. Allele origin: germline.

Myriad Genetics, Inc.
Classification: Benign for Familial cancer of breast. Last evaluated: 2024-07-22. Review status: criteria provided, single submitter. Criteria: Myriad Autosomal Dominant, Autosomal Recessive and X-Linked Classification Criteria (2023). Collection method: clinical testing. Allele origin: unknown.
Comment: This variant is considered benign. This variant is a silent/synonymous amino acid change and it is not expected to impact splicing.